The following is an entry in ClinVar:

ClinVar aggregate classification (germline): Uncertain significance. Review status: criteria provided, multiple submitters, no conflicts (2 of 4 stars). 3 submissions from 3 submitters: Uncertain significance (3). Last evaluated 2026-01-01.

Conditions:
INS-related disorder. Also called: INS-related condition.
Maturity-onset diabetes of the young type 10. Identifiers: Orphanet 552, MedGen C3150617, MONDO:0013240, OMIM 613370.

gnomAD v4.1: 11 of 1,587,128 alleles (0.00069%); highest among the groups gnomAD compares: Middle Eastern, 0.054%; no homozygotes.

Submissions (3):

Genomic Medicine Center of Excellence, King Faisal Specialist Hospital and Research Centre
Classification: Uncertain significance for MODY10. Last evaluated: 2026-01-01. Review status: criteria provided, single submitter. Criteria: ACMG Guidelines, 2015. Collection method: clinical testing. Allele origin: germline. Affected: yes.

PreventionGenetics, part of Exact Sciences
Classification: Uncertain significance for INS-related condition. Last evaluated: 2023-06-11. Review status: criteria provided, single submitter. Criteria: ACMG Guidelines, 2015. Collection method: clinical testing. Allele origin: germline.
Comment: The INS c.206G>A variant is predicted to result in the amino acid substitution p.Gly69Asp. To our knowledge, this variant has not been reported in the literature. This variant is reported in 0.0038% of alleles in individuals of South Asian descent in gnomAD. A different substitution affecting the same amino acid (p.Gly69Cys) has been reported to have arisen de novo in a patient with permanent neonatal diabetes mellitus(PNDM) (Laimon. 2021. PubMed ID: 34426871). Although we suspect this variant may be pathogenic, at this time, the clinical significance of this variant is uncertain due to the absence of conclusive functional and genetic evidence.

Blueprint Genetics
Classification: Uncertain significance. Last evaluated: 2020-01-02. Review status: criteria provided, single submitter. Criteria: ACMG Guidelines, 2015. Collection method: clinical testing. Allele origin: germline.

NM_000207.3(INS):c.206G>A (p.Gly69Asp)

Genes: INS (insulin; minus strand), INS-IGF2 (INS-IGF2 readthrough; minus strand). Cytogenetic location: 11p15.5.
Variant type: single nucleotide variant.
Coding change: c.206G>A on transcript NM_000207.3 (MANE Select); coding-DNA position 206, G replaced by A.
Protein change: p.Gly69Asp; replaces glycine 69 with aspartic acid.
Molecular consequence: missense variant. On other transcripts: intron variant (1).
Genome position (GRCh38, 1-based): chr11:2,159,979, C>T on the plus strand (G>A on the coding strand, the complement: INS is on the minus strand). VCF-style: chr11-2159979-C-T. GRCh37 (hg19) VCF-style: chr11-2181209-C-T.
Other names: c.206G>A, p.Gly69Asp (NM_001185097.2, NM_001185098.2, NM_001291897.2); c.187+806G>A (NM_001042376.3); short protein forms G69D.
Identifiers: ClinVar variation 2636035 (VCV002636035.3), dbSNP rs866840557, ClinGen allele CA216275244.